The following is an entry in ClinVar:

ClinVar aggregate classification (germline): Uncertain significance. Review status: criteria provided, multiple submitters, no conflicts (2 of 4 stars). 2 submissions from 2 submitters: Uncertain significance (2). Last evaluated 2026-01-15.

Conditions:
Left ventricular noncompaction 8 (LVNC8). Identifiers: Orphanet 154, Orphanet 54260, MedGen C3809288, MONDO:0014152, OMIM 615373.

Allele frequency attached by ClinVar (database versions not stated): gnomAD exomes below 0.00001.
gnomAD v4.1: 1 of 1,613,944 alleles (0.000062%); highest among the groups gnomAD compares: Non-Finnish European, 0.000085%; no homozygotes.

Submissions (2):

Labcorp Genetics (formerly Invitae), Labcorp
Classification: Uncertain significance for Left ventricular noncompaction 8. Last evaluated: 2026-01-15. Review status: criteria provided, single submitter. Criteria: Invitae Variant Classification Sherloc (09022015). Collection method: clinical testing. Allele origin: germline.
Comment: This sequence change replaces arginine, which is basic and polar, with glutamine, which is neutral and polar, at codon 996 of the PRDM16 protein (p.Arg996Gln). This variant is present in population databases (no rsID available, gnomAD 0.0009%). This variant has not been reported in the literature in individuals affected with PRDM16-related conditions. ClinVar contains an entry for this variant (Variation ID: 2142651). An algorithm developed to predict the effect of missense changes on protein structure and function (PolyPhen-2) suggests that this variant is likely to be disruptive. In summary, the available evidence is currently insufficient to determine the role of this variant in disease. Therefore, it has been classified as a Variant of Uncertain Significance.

GeneDx
Classification: Uncertain significance. Last evaluated: 2024-02-18. Review status: criteria provided, single submitter. Criteria: GeneDx Variant Classification Process June 2021. Collection method: clinical testing. Allele origin: germline. Affected: yes.
Comment: In silico analysis supports that this missense variant has a deleterious effect on protein structure/function; In silico analysis suggests this variant may impact gene splicing. In the absence of RNA/functional studies, the actual effect of this sequence change is unknown.; Not observed at significant frequency in large population cohorts (gnomAD); Has not been previously published as pathogenic or benign to our knowledge

NM_022114.4(PRDM16):c.2987G>A (p.Arg996Gln)

Gene: PRDM16 (PR/SET domain 16; plus strand). Cytogenetic location: 1p36.32.
Variant type: single nucleotide variant.
Coding change: c.2987G>A on transcript NM_022114.4 (MANE Select); coding-DNA position 2987, G replaced by A.
Protein change: p.Arg996Gln; replaces arginine 996 with glutamine.
Molecular consequence: missense variant.
Genome position (GRCh38, 1-based): chr1:3,425,628, G>A. VCF-style: chr1-3425628-G-A. GRCh37 (hg19) VCF-style: chr1-3342192-G-A.
Other names: c.2987G>A, p.Arg996Gln (NM_199454.3); c.2987G>A (NM_022114.3); short protein forms R996Q.
Identifiers: ClinVar variation 2142651 (VCV002142651.5), dbSNP rs1287311513, ClinGen allele CA338002205.